The following is an entry in ClinVar:

NM_000016.6(ACADM):c.983del (p.Met328fs)

Gene: ACADM (acyl-CoA dehydrogenase medium chain; plus strand). Cytogenetic location: 1p31.1.
Variant type: Deletion.
Coding change: c.983del on transcript NM_000016.6 (MANE Select); coding-DNA position 983, one base deleted (T; older notation c.983delT).
Protein change: p.Met328fs; shifts the reading frame from methionine 328.
Molecular consequence: frameshift variant.
Genome position (GRCh38, 1-based): chr1:75,761,159, T deleted. VCF-style (leftmost placement, unchanged base first): chr1-75761158-AT-A. GRCh37 (hg19) VCF-style: chr1-76226843-AT-A.
Other names: c.995del, p.Met332fs (NM_001127328.3); c.875del, p.Met292fs (NM_001286042.2); c.1082del, p.Met361fs (NM_001286043.2); c.416del, p.Met139fs (NM_001286044.2); short protein forms M139fs, M292fs, M328fs, M332fs, M361fs.
Identifiers: ClinVar variation 4081608 (VCV004081608.1).

ClinVar aggregate classification (germline): Pathogenic (1 of 4 stars; one submission).

Conditions:
Medium-chain acyl-coenzyme A dehydrogenase deficiency (ACADMD). Also called: MCAD Deficiency; MCADD; CARNITINE DEFICIENCY SECONDARY TO MEDIUM-CHAIN ACYL-CoA DEHYDROGENASE DEFICIENCY; MCADH DEFICIENCY; ACADM DEFICIENCY; Medium chain acyl-CoA dehydrogenase deficiency. Identifiers: Orphanet 42, MedGen C0220710, MONDO:0008721, OMIM 201450.

Submission:

Myriad Genetics, Inc.
Classification: Pathogenic for Medium-chain acyl-coenzyme A dehydrogenase deficiency. Last evaluated: 2025-06-24. Review status: criteria provided, single submitter. Criteria: Myriad Autosomal Dominant, Autosomal Recessive and X-Linked Classification Criteria (2023). Collection method: clinical testing. Allele origin: unknown.
Comment: NM_000016.4(ACADM):c.983delT(M328Rfs*5) is a frameshift variant classified as pathogenic in the context of medium-chain acyl-CoA dehydrogenase deficiency. M328Rfs*5 has not been observed in cases with relevant disease. Relevant functional assessments of this variant are not available in the literature. M328Rfs*5 has been observed in referenced population frequency databases. In summary, NM_000016.4(ACADM):c.983delT(M328Rfs*5) is a frameshift variant in a gene where loss of function is a known mechanism of disease and is predicted to disrupt protein function. Please note: this variant was assessed in the context of healthy population screening.